The following is an entry in ClinVar:

ClinVar aggregate classification (germline): Pathogenic (1 of 4 stars; one submission).

Conditions:
Charcot-Marie-Tooth Neuropathy X. Identifiers: MedGen CN118851.

Submission:

Labcorp Genetics (formerly Invitae), Labcorp
Classification: Pathogenic for Charcot-Marie-Tooth Neuropathy X. Last evaluated: 2026-01-09. Review status: criteria provided, single submitter. Criteria: Invitae Variant Classification Sherloc (09022015). Collection method: clinical testing. Allele origin: germline.
Comment: This sequence change creates a premature translational stop signal (p.Asn14Lysfs*71) in the GJB1 gene. While this is not anticipated to result in nonsense mediated decay, it is expected to disrupt the last 270 amino acid(s) of the GJB1 protein. This variant is not present in population databases (gnomAD no frequency). This variant has not been reported in the literature in individuals affected with GJB1-related conditions. This variant disrupts a region of the GJB1 protein in which other variant(s) (p.Arg22*) have been determined to be pathogenic (PMID: 8004109, 9401007, 11571214, 21692908). This suggests that this is a clinically significant region of the protein, and that variants that disrupt it are likely to be disease-causing. For these reasons, this variant has been classified as Pathogenic.

Literature cited by the submitters: PubMed 8004109; PubMed 9401007; PubMed 11571214; PubMed 21692908.

NM_000166.6(GJB1):c.40_41dup (p.Asn14fs)

Gene: GJB1 (gap junction protein beta 1; plus strand). Cytogenetic location: Xq13.1.
Variant type: Duplication.
Coding change: c.40_41dup on transcript NM_000166.6 (MANE Select); coding-DNA positions 40 to 41, 2 bases duplicated (AA; older notation c.40_41dupAA).
Protein change: p.Asn14fs; shifts the reading frame from asparagine 14.
Molecular consequence: frameshift variant.
Genome position (GRCh38, 1-based): chrX:71,223,747-71,223,748, AA duplicated. VCF-style (leftmost placement, unchanged base first): chrX-71223746-G-GAA. GRCh37 (hg19) VCF-style: chrX-70443596-G-GAA.
Other names: c.40_41dup, p.Asn14fs (NM_001097642.3, NM_001440770.1); short protein forms N14fs.
Identifiers: ClinVar variation 4735018 (VCV004735018.1).